The following is an entry in ClinVar:

ClinVar aggregate classification (germline): Uncertain significance (1 of 4 stars; one submission).

Conditions:
Cardiovascular phenotype. Identifiers: MedGen CN230736.

Submission:

Ambry Genetics
Classification: Uncertain significance for Cardiovascular phenotype. Last evaluated: 2025-03-02. Review status: criteria provided, single submitter. Criteria: Ambry Variant Classification Scheme 2023. Collection method: clinical testing. Allele origin: germline.
Comment: The p.T148P variant (also known as c.442A>C), located in coding exon 3 of the APOE gene, results from an A to C substitution at nucleotide position 442. The threonine at codon 148 is replaced by proline, an amino acid with highly similar properties. This amino acid position is conserved. In addition, this alteration is predicted to be tolerated by in silico analysis. Based on the available evidence, the clinical significance of this variant remains unclear.

NM_000041.4(APOE):c.442A>C (p.Thr148Pro)

Gene: APOE (apolipoprotein E; plus strand). Cytogenetic location: 19q13.32.
Variant type: single nucleotide variant.
Coding change: c.442A>C on transcript NM_000041.4 (MANE Select); coding-DNA position 442, A replaced by C.
Protein change: p.Thr148Pro; replaces threonine 148 with proline.
Molecular consequence: missense variant.
Genome position (GRCh38, 1-based): chr19:44,908,738, A>C. VCF-style: chr19-44908738-A-C. GRCh37 (hg19) VCF-style: chr19-45411995-A-C.
Other names: c.520A>C, p.Thr174Pro (NM_001302688.2); c.442A>C, p.Thr148Pro (NM_001302689.2, NM_001302690.2, NM_001302691.2); short protein forms T174P, T148P.
Identifiers: ClinVar variation 3886459 (VCV003886459.1).
Genomic context (GRCh38, chr19:44,908,738, plus strand): 5'-GACGTGTGCGGCCGCCTGGTGCAGTACCGCGGCGAGGTGCAGGCCATGCTCGGCCAGAGC[A>C]CCGAGGAGCTGCGGGTGCGCCTCGCCTCCCACCTGCGCAAGCTGCGTAAGCGGCTCCTCC-3'
Protein context (NP_000032.1, residues 138-158): GEVQAMLGQS[Thr148Pro]EELRVRLASH